The following is an entry in ClinVar:

ClinVar aggregate classification (germline): Uncertain significance. Review status: criteria provided, multiple submitters, no conflicts (2 of 4 stars). 2 submissions from 2 submitters: Uncertain significance (2). Last evaluated 2025-08-30.

Conditions:
CHARGE syndrome (CHARGE). Also called: Hittner Hirsch Kreh syndrome; CHARGE ASSOCIATION--COLOBOMA, HEART ANOMALY, CHOANAL ATRESIA, RETARDATION, GENITAL AND EAR ANOMALIES; Coloboma, heart anomaly, choanal atresia, retardation, genital and ear anomalies; CHARGE association; Hall-Hittner syndrome. Identifiers: Orphanet 138, MedGen C0265354, MONDO:0008965.

Allele frequency attached by ClinVar (database versions not stated): gnomAD exomes below 0.00001; ExAC 0.00001.
gnomAD v4.1: 6 of 1,613,966 alleles (0.00037%); highest among the groups gnomAD compares: Non-Finnish European, 0.00042%; no homozygotes.

Submissions (2):

Ambry Genetics
Classification: Uncertain significance. Last evaluated: 2025-08-30. Review status: criteria provided, single submitter. Criteria: Ambry Variant Classification Scheme 2023. Collection method: clinical testing. Allele origin: germline.

Labcorp Genetics (formerly Invitae), Labcorp
Classification: Uncertain significance for CHARGE syndrome. Last evaluated: 2024-11-19. Review status: criteria provided, single submitter. Criteria: Invitae Variant Classification Sherloc (09022015). Collection method: clinical testing. Allele origin: germline.
Comment: This sequence change replaces threonine, which is neutral and polar, with lysine, which is basic and polar, at codon 128 of the SEMA3E protein (p.Thr128Lys). This variant is present in population databases (rs749957904, gnomAD 0.007%). This variant has not been reported in the literature in individuals affected with SEMA3E-related conditions. ClinVar contains an entry for this variant (Variation ID: 2143169). Invitae Evidence Modeling of protein sequence and biophysical properties (such as structural, functional, and spatial information, amino acid conservation, physicochemical variation, residue mobility, and thermodynamic stability) has been performed for this missense variant. However, the output from this modeling did not meet the statistical confidence thresholds required to predict the impact of this variant on SEMA3E protein function. In summary, the available evidence is currently insufficient to determine the role of this variant in disease. Therefore, it has been classified as a Variant of Uncertain Significance.

NM_012431.3(SEMA3E):c.383C>A (p.Thr128Lys)

Gene: SEMA3E (semaphorin 3E; minus strand). Cytogenetic location: 7q21.11.
Variant type: single nucleotide variant.
Coding change: c.383C>A on transcript NM_012431.3 (MANE Select); coding-DNA position 383, C replaced by A.
Protein change: p.Thr128Lys; replaces threonine 128 with lysine.
Molecular consequence: missense variant.
Genome position (GRCh38, 1-based): chr7:83,466,555, G>T on the plus strand (C>A on the coding strand, the complement: SEMA3E is on the minus strand). VCF-style: chr7-83466555-G-T. GRCh37 (hg19) VCF-style: chr7-83095871-G-T.
Other names: c.203C>A, p.Thr68Lys (NM_001178129.2); c.383C>A (NM_012431.2); short protein forms T68K, T128K.
Identifiers: ClinVar variation 2143169 (VCV002143169.5), dbSNP rs749957904, ClinGen allele CA4322352.